The following is an entry in ClinVar:

ClinVar aggregate classification (germline): Uncertain significance (1 of 4 stars; one submission).

Conditions:
Atrioventricular septal defect 4 (AVSD4). Identifiers: MedGen C3280781, MONDO:0013747, OMIM 614430.

Allele frequency attached by ClinVar (database versions not stated): TOPMed 0.00002; gnomAD 0.00003 and 0.00004; gnomAD exomes 0.00005.
gnomAD v4.1: 65 of 1,409,590 alleles (0.0046%); highest among the groups gnomAD compares: Non-Finnish European, 0.0057%; no homozygotes.

Submission:

Labcorp Genetics (formerly Invitae), Labcorp
Classification: Uncertain significance for Atrioventricular septal defect 4. Last evaluated: 2025-09-14. Review status: criteria provided, single submitter. Criteria: Invitae Variant Classification Sherloc (09022015). Collection method: clinical testing. Allele origin: germline.
Comment: This sequence change replaces threonine, which is neutral and polar, with alanine, which is neutral and non-polar, at codon 82 of the GATA4 protein (p.Thr82Ala). This variant is present in population databases (no rsID available, gnomAD 0.01%). This missense change has been observed in individual(s) with congenital heart defects (PMID: 26014430). ClinVar contains an entry for this variant (Variation ID: 855688). Invitae Evidence Modeling of protein sequence and biophysical properties (such as structural, functional, and spatial information, amino acid conservation, physicochemical variation, residue mobility, and thermodynamic stability) indicates that this missense variant is not expected to disrupt GATA4 protein function with a negative predictive value of 95%. In summary, the available evidence is currently insufficient to determine the role of this variant in disease. Therefore, it has been classified as a Variant of Uncertain Significance.

Literature cited by the submitters: PubMed 26014430.

NM_001308093.3(GATA4):c.244A>G (p.Thr82Ala)

Gene: GATA4 (GATA binding protein 4). Cytogenetic location: 8p23.1.
Variant type: single nucleotide variant.
Coding change: c.244A>G on transcript NM_001308093.3 (MANE Select); coding-DNA position 244, A replaced by G.
Protein change: p.Thr82Ala; replaces threonine 82 with alanine.
Molecular consequence: missense variant. On other transcripts: intron variant (3).
Genome position (GRCh38, 1-based): chr8:11,708,556, A>G. VCF-style: chr8-11708556-A-G. GRCh37 (hg19) VCF-style: chr8-11566065-A-G.
Other names: c.244A>G, p.Thr82Ala (NM_002052.5); c.-6+7778A>G (NM_001308094.2); c.-3+542A>G (NM_001374274.1); c.-3+4252A>G (NM_001374273.1); short protein forms T82A.
Identifiers: ClinVar variation 855688 (VCV000855688.9), dbSNP rs961114777, ClinGen allele CA172074697.
Genomic context (GRCh38, chr8:11,708,556, plus strand): 5'-GCGTCCGGAGGCGCCTCGGGCGGCAGCTCCGGTGGGGCCGCGTCTGGTGCGGGGCCCGGG[A>G]CCCAGCAGGGCAGCCCGGGATGGAGCCAGGCGGGAGCCGACGGAGCCGCTTACACCCCGC-3'
Protein context (NP_001295022.1, residues 72-92): GGAASGAGPG[Thr82Ala]QQGSPGWSQA